The following is an entry in ClinVar:

NM_003705.5(SLC25A12):c.1681A>G (p.Ile561Val)

Gene: SLC25A12 (solute carrier family 25 member 12; minus strand). Cytogenetic location: 2q31.1.
Variant type: single nucleotide variant.
Coding change: c.1681A>G on transcript NM_003705.5 (MANE Select); coding-DNA position 1681, A replaced by G.
Protein change: p.Ile561Val; replaces isoleucine 561 with valine.
Molecular consequence: missense variant. On other transcripts: non-coding transcript variant (1).
Genome position (GRCh38, 1-based): chr2:171,787,852, T>C on the plus strand (A>G on the coding strand, the complement: SLC25A12 is on the minus strand). VCF-style: chr2-171787852-T-C. GRCh37 (hg19) VCF-style: chr2-172644362-T-C.
Other names: short protein forms I561V.
Identifiers: ClinVar variation 1002970 (VCV001002970.7), dbSNP rs1203070682, ClinGen allele CA349287891.

ClinVar aggregate classification (germline): Uncertain significance (1 of 4 stars; one submission).

Allele frequency attached by ClinVar (database versions not stated): gnomAD exomes below 0.00001; TOPMed below 0.00001; gnomAD 0.00001.
gnomAD v4.1: 2 of 1,614,070 alleles (0.00012%); highest among the groups gnomAD compares: African/African-American, 0.0027%; no homozygotes.

Submission:

Labcorp Genetics (formerly Invitae), Labcorp
Classification: Uncertain significance. Last evaluated: 2022-03-19. Review status: criteria provided, single submitter. Criteria: Invitae Variant Classification Sherloc (09022015). Collection method: clinical testing. Allele origin: germline.
Comment: This sequence change replaces isoleucine, which is neutral and non-polar, with valine, which is neutral and non-polar, at codon 561 of the SLC25A12 protein (p.Ile561Val). This variant is present in population databases (no rsID available, gnomAD 0.01%). This variant has not been reported in the literature in individuals affected with SLC25A12-related conditions. ClinVar contains an entry for this variant (Variation ID: 1002970). Algorithms developed to predict the effect of missense changes on protein structure and function output the following: SIFT: "Tolerated"; PolyPhen-2: "Benign"; Align-GVGD: "Class C0". The valine amino acid residue is found in multiple mammalian species, which suggests that this missense change does not adversely affect protein function. In summary, the available evidence is currently insufficient to determine the role of this variant in disease. Therefore, it has been classified as a Variant of Uncertain Significance.